The following is an entry in ClinVar:

NM_004991.4(MECOM):c.1325G>T (p.Gly442Val)

Gene: MECOM (MDS1 and EVI1 complex locus; minus strand). Cytogenetic location: 3q26.2.
Variant type: single nucleotide variant.
Coding change: c.1325G>T on transcript NM_004991.4 (MANE Select); coding-DNA position 1325, G replaced by T.
Protein change: p.Gly442Val; replaces glycine 442 with valine.
Molecular consequence: missense variant. On other transcripts: intron variant (2).
Genome position (GRCh38, 1-based): chr3:169,116,547, C>A on the plus strand (G>T on the coding strand, the complement: MECOM is on the minus strand). VCF-style: chr3-169116547-C-A. GRCh37 (hg19) VCF-style: chr3-168834335-C-A.
Other names: c.956G>T, p.Gly319Val (NM_001105077.4); c.761G>T, p.Gly254Val (NM_001105078.4, NM_001164000.2, NM_001205194.2 and 4 more transcripts); c.764G>T, p.Gly255Val (NM_001163999.2, NM_001366467.2, NM_001366468.2 and 1 more transcripts); c.1325G>T, p.Gly442Val (NM_001366466.2); c.1133-780G>T (NM_001366473.2); c.569-780G>T (NM_001366474.2); short protein forms G254V, G319V, G255V, G442V.
Identifiers: ClinVar variation 4624642 (VCV004624642.1).

ClinVar aggregate classification (germline): Uncertain significance (1 of 4 stars; one submission).

Conditions:
Inborn genetic diseases. Identifiers: MedGen C0950123, MeSH D030342.

gnomAD v4.1: 1 of 1,614,138 alleles (0.000062%); highest among the groups gnomAD compares: Non-Finnish European, 0.000085%; no homozygotes.

Submission:

Ambry Genetics
Classification: Uncertain significance for Inborn genetic diseases. Last evaluated: 2025-10-13. Review status: criteria provided, single submitter. Criteria: Ambry Variant Classification Scheme 2023. Collection method: clinical testing. Allele origin: germline.
Comment: The p.G442V variant (also known as c.1325G>T), located in coding exon 8 of the MECOM gene, results from a G to T substitution at nucleotide position 1325. The glycine at codon 442 is replaced by valine, an amino acid with dissimilar properties. This amino acid position is conserved. In addition, the in silico prediction for this alteration is inconclusive. Based on the available evidence, the clinical significance of this variant remains unclear.